The following is an entry in ClinVar:

NM_198578.4(LRRK2):c.2842C>T (p.Arg948Ter)

Gene: LRRK2 (leucine rich repeat kinase 2; plus strand). Cytogenetic location: 12q12.
Variant type: single nucleotide variant.
Coding change: c.2842C>T on transcript NM_198578.4 (MANE Select); coding-DNA position 2842, C replaced by T.
Protein change: p.Arg948Ter; replaces arginine 948 with a stop codon.
Molecular consequence: nonsense.
Genome position (GRCh38, 1-based): chr12:40,294,878, C>T. VCF-style: chr12-40294878-C-T. GRCh37 (hg19) VCF-style: chr12-40688680-C-T.
Other names: short protein forms R948*.
Identifiers: ClinVar variation 930929 (VCV000930929.3), dbSNP rs766809708, ClinGen allele CA6513753.

ClinVar aggregate classification (germline): Uncertain significance (1 of 4 stars; one submission).

Conditions:
Autosomal dominant Parkinson disease 8. Also called: Parkinson disease 8, susceptibility to; LRRK2-Related Parkinson Disease; Parkinson disease 8. Identifiers: Orphanet 411602, MedGen C1846862, MONDO:0011764, OMIM 607060.

Allele frequency attached by ClinVar (database versions not stated): gnomAD exomes below 0.00001; ExAC 0.00001; gnomAD 0.00001; TOPMed 0.00002.
gnomAD v4.1: 10 of 1,545,980 alleles (0.00065%); highest among the groups gnomAD compares: Admixed American, 0.0017%; no homozygotes.

Submission:

Centre for Mendelian Genomics, University Medical Centre Ljubljana
Classification: Uncertain significance for Autosomal dominant Parkinson disease 8. Last evaluated: 2018-10-23. Review status: criteria provided, single submitter. Criteria: ACMG Guidelines, 2015. Collection method: clinical testing. Allele origin: unknown. Affected: yes.
Comment: This variant was classified as: Uncertain significance. The available evidence on this variant's pathogenicity is insufficient or conflicting. The following ACMG criteria were applied in classifying this variant: No criteria apply.